The following is an entry in ClinVar:

NM_015450.3(POT1):c.1505+2T>C

Gene: POT1 (protection of telomeres 1; minus strand). Cytogenetic location: 7q31.33.
Variant type: single nucleotide variant.
Coding change: c.1505+2T>C on transcript NM_015450.3 (MANE Select); the canonical splice donor site of the intron after coding-DNA position 1505, T replaced by C.
Molecular consequence: splice donor variant.
Genome position (GRCh38, 1-based): chr7:124,835,277, A>G on the plus strand (T>C on the coding strand, the complement: POT1 is on the minus strand). VCF-style: chr7-124835277-A-G. GRCh37 (hg19) VCF-style: chr7-124475331-A-G.
Other names: c.1112+2T>C (NM_001042594.2).
Identifiers: ClinVar variation 2757182 (VCV002757182.3), dbSNP rs2485374029, ClinGen allele CA369065332.

ClinVar aggregate classification (germline): Likely pathogenic (1 of 4 stars; one submission).

Conditions:
Tumor predisposition syndrome 3 (TPDS3). Also called: Glioma susceptibility 9; Melanoma, cutaneous malignant, susceptibility to, 10; LONG TELOMERE SYNDROME, POT1-RELATED; POT1 Tumor Predisposition. Identifiers: Orphanet 618, MedGen C4014476, MONDO:0014368, OMIM 615848.

Allele frequency attached by ClinVar (database versions not stated): gnomAD exomes below 0.00001.
gnomAD v4.1: 2 of 1,612,784 alleles (0.00012%); highest among the groups gnomAD compares: Non-Finnish European, 0.00017%; no homozygotes.

Submission:

Labcorp Genetics (formerly Invitae), Labcorp
Classification: Likely pathogenic for Tumor predisposition syndrome 3. Last evaluated: 2024-03-23. Review status: criteria provided, single submitter. Criteria: Invitae Variant Classification Sherloc (09022015). Collection method: clinical testing. Allele origin: germline.
Comment: This sequence change affects a donor splice site in intron 15 of the POT1 gene. It is expected to disrupt RNA splicing. Variants that disrupt the donor or acceptor splice site typically lead to a loss of protein function (PMID: 16199547), and loss-of-function variants in POT1 are known to be pathogenic (PMID: 32155570). This variant is not present in population databases (gnomAD no frequency). This variant has not been reported in the literature in individuals affected with POT1-related conditions. Algorithms developed to predict the effect of sequence changes on RNA splicing suggest that this variant may disrupt the consensus splice site. In summary, the currently available evidence indicates that the variant is pathogenic, but additional data are needed to prove that conclusively. Therefore, this variant has been classified as Likely Pathogenic.

Literature cited by the submitters: PubMed 16199547; PubMed 32155570.